The following is an entry in ClinVar:

ClinVar aggregate classification (germline): Uncertain significance. Review status: criteria provided, multiple submitters, no conflicts (2 of 4 stars). 2 submissions from 2 submitters: Uncertain significance (2). Last evaluated 2025-06-04.

Conditions:
Familial thoracic aortic aneurysm and aortic dissection (TAAD). Also called: Thoracic aortic aneurysms and dissections. Identifiers: Orphanet 91387, MedGen C4707243, MONDO:0019625.

Submissions (2):

GeneDx
Classification: Uncertain significance. Last evaluated: 2025-06-04. Review status: criteria provided, single submitter. Criteria: GeneDx Variant Classification Process June 2021. Collection method: clinical testing. Allele origin: germline. Affected: yes.
Comment: Not observed at significant frequency in large population cohorts (gnomAD); In silico analysis supports that this missense variant has a deleterious effect on protein structure/function; Has not been previously published as pathogenic or benign to our knowledge; Does not affect a cysteine or calcium-binding residue within an EGF-like domain or a TGF-binding protein domain of the FBN1 gene; cysteine substitutions in the EGF-like domains represent the majority of pathogenic missense changes associated with FBN1-related disorders (PMID:12938084); This variant is associated with the following publications: (PMID: 12938084)

Color Diagnostics, LLC DBA Color Health
Classification: Uncertain significance for Familial thoracic aortic aneurysm and aortic dissection. Last evaluated: 2025-05-25. Review status: criteria provided, single submitter. Criteria: ACMG Guidelines, 2015. Collection method: clinical testing. Allele origin: germline.
Comment: This missense variant replaces threonine with isoleucine at codon 354 of the FBN1 protein. Computational prediction is inconclusive regarding the impact of this variant on protein structure and function. To our knowledge, functional studies have not been reported for this variant. This variant has not been reported in individuals affected with FBN1-related disorders in the literature. This variant has not been identified in the general population by the Genome Aggregation Database (gnomAD). The available evidence is insufficient to determine the role of this variant in disease conclusively. Therefore, this variant is classified as a Variant of Uncertain Significance.

NM_000138.5(FBN1):c.1061C>T (p.Thr354Ile)

Genes: FBN1 (fibrillin 1; minus strand), LOC113939944 (Sharpr-MPRA regulatory region 9539; plus strand). Cytogenetic location: 15q21.1.
Variant type: single nucleotide variant.
Coding change: c.1061C>T on transcript NM_000138.5 (MANE Select); coding-DNA position 1061, C replaced by T.
Protein change: p.Thr354Ile; replaces threonine 354 with isoleucine.
Molecular consequence: missense variant.
Genome position (GRCh38, 1-based): chr15:48,520,745, G>A on the plus strand (C>T on the coding strand, the complement: FBN1 is on the minus strand). VCF-style: chr15-48520745-G-A. GRCh37 (hg19) VCF-style: chr15-48812942-G-A.
Other names: c.1061C>T, p.Thr354Ile (NM_001406716.1); short protein forms T354I.
Identifiers: ClinVar variation 4536405 (VCV004536405.2).
Genomic context (GRCh38, chr15:48,520,745, plus strand): 5'-GGGGCGACAGTGACCCCTGGAGACCAGCATCGGCCGGCATCACAGCAGCACTGCATTTTG[G>A]TTATGGACTGTGGCAGCTGGTTAGAGCAGCGCCCGTTTGTCAGAGCTGTGTAACAGTATC-3'
Protein context (NP_000129.3, residues 344-364): RCSNQLPQSI[Thr354Ile]KMQCCCDAGR